The following is an entry in ClinVar:

NM_002637.4(PHKA1):c.3034-6T>A

Gene: PHKA1 (phosphorylase kinase regulatory subunit alpha 1; minus strand). Cytogenetic location: Xq13.1.
Variant type: single nucleotide variant.
Coding change: c.3034-6T>A on transcript NM_002637.4 (MANE Select); 6 bases into the intron before coding-DNA position 3034, T replaced by A.
Molecular consequence: intron variant.
Genome position (GRCh38, 1-based): chrX:72,602,035, A>T on the plus strand (T>A on the coding strand, the complement: PHKA1 is on the minus strand). VCF-style: chrX-72602035-A-T. GRCh37 (hg19) VCF-style: chrX-71821885-A-T.
Other names: c.2856+123T>A (NM_001172436.2); c.3033+123T>A (NM_001122670.2).
Identifiers: ClinVar variation 1415367 (VCV001415367.8), dbSNP rs199530028, ClinGen allele CA10450572.

ClinVar aggregate classification (germline): Uncertain significance (1 of 4 stars; one submission).

Conditions:
Glycogen storage disease IXd (GSD9D). Also called: GSD IXd; Muscle Phosphorylase Kinase Deficiency. Identifiers: Orphanet 715, MedGen C1845151, MONDO:0010362, OMIM 300559.

Allele frequency attached by ClinVar (database versions not stated): gnomAD exomes below 0.00001 and 0.00001; gnomAD 0.00001 and 0.00002; TOPMed 0.00001; ExAC 0.00003; 1000 Genomes Project 0.00026; 1000 Genomes Project 30x 0.00042.
gnomAD v4.1: 3 of 1,188,564 alleles (0.00025%); highest among the groups gnomAD compares: East Asian, 0.0089%; no homozygotes.

Submission:

Labcorp Genetics (formerly Invitae), Labcorp
Classification: Uncertain significance for Glycogen storage disease IXd. Last evaluated: 2020-12-25. Review status: criteria provided, single submitter. Criteria: Invitae Variant Classification Sherloc (09022015). Collection method: clinical testing. Allele origin: germline.
Comment: This sequence change falls in intron 27 of the PHKA1 gene. It does not directly change the encoded amino acid sequence of the PHKA1 protein. In summary, the available evidence is currently insufficient to determine the role of this variant in disease. Therefore, it has been classified as a Variant of Uncertain Significance. Algorithms developed to predict the effect of sequence changes on RNA splicing suggest that this variant may disrupt the consensus splice site, but this prediction has not been confirmed by published transcriptional studies. This variant has not been reported in the literature in individuals with PHKA1-related conditions. This variant is present in population databases (rs199530028, ExAC 0.04%).